The following is an entry in ClinVar:

NM_198834.3(ACACA):c.4148G>A (p.Arg1383Gln)

Gene: ACACA (acetyl-CoA carboxylase alpha; minus strand). Cytogenetic location: 17q12.
Variant type: single nucleotide variant.
Coding change: c.4148G>A on transcript NM_198834.3 (MANE Select); coding-DNA position 4148, G replaced by A.
Protein change: p.Arg1383Gln; replaces arginine 1383 with glutamine.
Molecular consequence: missense variant.
Genome position (GRCh38, 1-based): chr17:37,200,149, C>T on the plus strand (G>A on the coding strand, the complement: ACACA is on the minus strand). VCF-style: chr17-37200149-C-T. GRCh37 (hg19) VCF-style: chr17-35557092-C-T.
Other names: c.4037G>A, p.Arg1346Gln (NM_198836.3, NM_198839.3); c.3863G>A, p.Arg1288Gln (NM_198837.2); c.3803G>A, p.Arg1268Gln (NM_198838.2); short protein forms R1346Q, R1268Q, R1288Q, R1383Q.
Identifiers: ClinVar variation 2964740 (VCV002964740.3), dbSNP rs757818935, ClinGen allele CA8515136.

ClinVar aggregate classification (germline): Uncertain significance (1 of 4 stars; one submission).

Allele frequency attached by ClinVar (database versions not stated): gnomAD 0.00002; TOPMed 0.00002; ExAC 0.00003; gnomAD exomes 0.00004.
gnomAD v4.1: 66 of 1,603,872 alleles (0.0041%); highest among the groups gnomAD compares: Non-Finnish European, 0.005%; no homozygotes.

Submission:

Labcorp Genetics (formerly Invitae), Labcorp
Classification: Uncertain significance. Last evaluated: 2022-12-16. Review status: criteria provided, single submitter. Criteria: Invitae Variant Classification Sherloc (09022015). Collection method: clinical testing. Allele origin: germline.
Comment: In summary, the available evidence is currently insufficient to determine the role of this variant in disease. Therefore, it has been classified as a Variant of Uncertain Significance. Algorithms developed to predict the effect of missense changes on protein structure and function output the following: SIFT: "Tolerated"; PolyPhen-2: "Benign"; Align-GVGD: "Class C0". The glutamine amino acid residue is found in multiple mammalian species, which suggests that this missense change does not adversely affect protein function. This variant has not been reported in the literature in individuals affected with ACACA-related conditions. This variant is present in population databases (rs757818935, gnomAD 0.03%). This sequence change replaces arginine, which is basic and polar, with glutamine, which is neutral and polar, at codon 1346 of the ACACA protein (p.Arg1346Gln).